The following is an entry in ClinVar:

ClinVar aggregate classification (germline): Pathogenic. Review status: criteria provided, multiple submitters, no conflicts (2 of 4 stars). 3 submissions from 3 submitters: Pathogenic (3). Last evaluated 2024-08-05.

Conditions:
Heterotopia, periventricular, X-linked dominant (PVNH1). Also called: PERIVENTRICULAR NODULAR HETEROTOPIA 4; HETEROTOPIA, PERIVENTRICULAR, 1; PERIVENTRICULAR NODULAR HETEROTOPIA 1; X-linked periventricular heterotopia. Identifiers: Orphanet 2149, Orphanet 82004, MedGen C1848213, MONDO:0010233, OMIM 300049.
Oto-palato-digital syndrome, type II (OPD2). Also called: Otopalatodigital Syndrome, Type II; Otopalatodigital Syndrome Type 2 (FLNA-OPD2); FACIOPALATOOSSEOUS SYNDROME; OPD II SYNDROME. Identifiers: Orphanet 669, Orphanet 90652, MedGen C1844696, MONDO:0010571, OMIM 304120.
Frontometaphyseal dysplasia (FMD1). Identifiers: Orphanet 1826, MedGen C0265293, MONDO:0015942.
Melnick-Needles syndrome (MNS). Also called: Melnick-Needles Syndrome (FLNA-MNS); MELNICK-NEEDLES OSTEODYSPLASTY; OSTEODYSPLASTY OF MELNICK AND NEEDLES. Identifiers: Orphanet 2484, MedGen C0025237, MONDO:0010650, OMIM 309350.
Periventricular nodular heterotopia (PVNH). Identifiers: Orphanet 98892, MedGen C1868720, MeSH D054091, MONDO:0020341, HP:0032388.

Submissions (3):

Women's Health and Genetics/Laboratory Corporation of America, LabCorp
Classification: Pathogenic for Periventricular nodular heterotopia. Last evaluated: 2024-08-05. Review status: criteria provided, single submitter. Criteria: LabCorp Variant Classification Summary - May 2015. Collection method: clinical testing. Allele origin: germline.
Comment: Variant summary: FLNA c.3775C>T (p.Gln1259X) results in a premature termination codon, predicted to cause a truncation of the encoded protein or absence of the protein due to nonsense mediated decay, which are commonly known mechanisms for disease. The variant was absent in 179786 control chromosomes. To our knowledge, no occurrence of c.3775C>T in individuals affected with Periventricular Nodular Heterotopia and no experimental evidence demonstrating its impact on protein function have been reported. ClinVar contains an entry for this variant (Variation ID: 432416). Based on the evidence outlined above, the variant was classified as pathogenic.

Labcorp Genetics (formerly Invitae), Labcorp
Classification: Pathogenic for Oto-palato-digital syndrome, type II; Heterotopia, periventricular, X-linked dominant; Frontometaphyseal dysplasia; Melnick-Needles syndrome. Last evaluated: 2024-02-25. Review status: criteria provided, single submitter. Criteria: Invitae Variant Classification Sherloc (09022015). Collection method: clinical testing. Allele origin: germline.
Comment: This sequence change creates a premature translational stop signal (p.Gln1259*) in the FLNA gene. It is expected to result in an absent or disrupted protein product. Loss-of-function variants in FLNA are known to be pathogenic (PMID: 16684786, 20730588, 26471271). This variant is not present in population databases (gnomAD no frequency). This variant has not been reported in the literature in individuals affected with FLNA-related conditions. ClinVar contains an entry for this variant (Variation ID: 432416). For these reasons, this variant has been classified as Pathogenic.

GeneDx
Classification: Pathogenic. Last evaluated: 2017-06-06. Review status: criteria provided, single submitter. Criteria: GeneDx Variant Classification (06012015). Collection method: clinical testing. Allele origin: germline. Affected: yes.
Comment: The Q1259X nonsense variant in the FLNA gene is predicted to cause loss of normal protein function either through protein truncation or nonsense-mediated mRNA decay. The Q1259X variant is not observed in large population cohorts (Lek et al., 2016; 1000 Genomes Consortium et al., 2015; Exome Variant Server).

Literature cited by the submitters: PubMed 16684786 (cited by Labcorp Genetics (formerly Invitae), Labcorp); PubMed 20730588 (cited by Labcorp Genetics (formerly Invitae), Labcorp); PubMed 26471271 (cited by Labcorp Genetics (formerly Invitae), Labcorp).

NM_001110556.2(FLNA):c.3775C>T (p.Gln1259Ter)

Gene: FLNA (filamin A; minus strand). Cytogenetic location: Xq28.
Variant type: single nucleotide variant.
Coding change: c.3775C>T on transcript NM_001110556.2 (MANE Select); coding-DNA position 3775, C replaced by T.
Protein change: p.Gln1259Ter; replaces glutamine 1259 with a stop codon.
Molecular consequence: nonsense.
Genome position (GRCh38, 1-based): chrX:154,360,020, G>A on the plus strand (C>T on the coding strand, the complement: FLNA is on the minus strand). VCF-style: chrX-154360020-G-A. GRCh37 (hg19) VCF-style: chrX-153588388-G-A.
Other names: c.3775C>T, p.Gln1259Ter (NM_001456.4); short protein forms Q1259*.
Identifiers: ClinVar variation 432416 (VCV000432416.6), dbSNP rs1557177663, ClinGen allele CA415222631.